The following is an entry in ClinVar:

ClinVar aggregate classification (germline): Uncertain significance (1 of 4 stars; one submission).

Conditions:
Recurrent metabolic encephalomyopathic crises-rhabdomyolysis-cardiac arrhythmia-intellectual disability syndrome (MECRCN). Also called: METABOLIC CRISES, RECURRENT, WITH RHABDOMYOLYSIS, CARDIAC ARRHYTHMIAS, AND NEURODEGENERATION; TANGO2 Deficiency; Metabolic encephalomyopathic crises, recurrent, with rhabdomyolysis, cardiac arrhythmias, and neurodegeneration. Identifiers: Orphanet 480864, MedGen C5567524, MONDO:0018820, OMIM 616878.

Allele frequency attached by ClinVar (database versions not stated): gnomAD exomes 0.00001.
gnomAD v4.1: 6 of 1,562,512 alleles (0.00038%); highest among the groups gnomAD compares: African/African-American, 0.0014%; no homozygotes.

Submission:

Broad Center for Mendelian Genomics, Broad Institute of MIT and Harvard
Classification: Uncertain significance for Recurrent metabolic encephalomyopathic crises-rhabdomyolysis-cardiac arrhythmia-intellectual disability syndrome. Last evaluated: 2021-05-21. Review status: criteria provided, single submitter. Criteria: ACMG Guidelines, 2015. Collection method: curation. Allele origin: germline. Inheritance: Autosomal recessive inheritance.
Comment: Although this variant has been seen in the general population in a heterozygous state, its frequency is low enough to be consistent with a recessive carrier frequency. Computational prediction tools and conservation analyses do not provide strong support for or against an impact to the protein. In summary, while there is some suspicion for a pathogenic role, the clinical significance of this variant is uncertain. ACMG/AMP Criteria applied: PM2_supporting, PM3 (Richards 2015).

NM_152906.7(TANGO2):c.265G>T (p.Gly89Cys)

Gene: TANGO2 (transport and golgi organization 2 homolog; plus strand). Cytogenetic location: 22q11.21.
Variant type: single nucleotide variant.
Coding change: c.265G>T on transcript NM_152906.7 (MANE Select); coding-DNA position 265, G replaced by T.
Protein change: p.Gly89Cys; replaces glycine 89 with cysteine.
Molecular consequence: missense variant. On other transcripts: non-coding transcript variant (5).
Genome position (GRCh38, 1-based): chr22:20,052,584, G>T. VCF-style: chr22-20052584-G-T. GRCh37 (hg19) VCF-style: chr22-20040107-G-T.
Other names: NR_136211.2:n.441G>T; c.265G>T, p.Gly89Cys (NM_001283106.3, NM_001283116.3, NM_001283148.3 and 10 more transcripts); c.388G>T, p.Gly130Cys (NM_001283129.3, NM_001283215.3, NM_001322141.2 and 5 more transcripts); c.86G>T, p.Ser29Ile (NM_001283235.3, NM_001322150.2, NM_001322153.2 and 6 more transcripts); c.86G>T, p.Arg29Met (NM_001322146.2, NM_001322148.2, NM_001322160.2); short protein forms G130C, G89C, R29M, S29I.
Identifiers: ClinVar variation 1312498 (VCV001312498.2), dbSNP rs1313698326, ClinGen allele CA410696462.